The following is an entry in ClinVar:

NM_000292.3(PHKA2):c.1138G>A (p.Val380Ile)

Gene: PHKA2 (phosphorylase kinase regulatory subunit alpha 2; minus strand). Cytogenetic location: Xp22.13.
Variant type: single nucleotide variant.
Coding change: c.1138G>A on transcript NM_000292.3 (MANE Select); coding-DNA position 1138, G replaced by A.
Protein change: p.Val380Ile; replaces valine 380 with isoleucine.
Molecular consequence: missense variant.
Genome position (GRCh38, 1-based): chrX:18,931,748, C>T on the plus strand (G>A on the coding strand, the complement: PHKA2 is on the minus strand). VCF-style: chrX-18931748-C-T. GRCh37 (hg19) VCF-style: chrX-18949866-C-T.
Other names: short protein forms V380I.
Identifiers: ClinVar variation 2660115 (VCV002660115.24), dbSNP rs2518725084, ClinGen allele CA412395121.

ClinVar aggregate classification (germline): Uncertain significance (1 of 4 stars; one submission).

Allele frequency attached by ClinVar (database versions not stated): gnomAD exomes 0.00002.
gnomAD v4.1: 10 of 1,152,210 alleles (0.00087%); highest among the groups gnomAD compares: Non-Finnish European, 0.0012%; no homozygotes.

Submission:

CeGaT Center for Human Genetics Tuebingen
Classification: Uncertain significance. Last evaluated: 2023-04-01. Review status: criteria provided, single submitter. Criteria: CeGaT Center For Human Genetics Tuebingen Variant Classification Criteria Version 2. Collection method: clinical testing. Allele origin: germline. Affected: yes. Observed: 1 variant allele.
Comment: PHKA2: PM2